The following is an entry in ClinVar:

ClinVar aggregate classification (germline): Uncertain significance (1 of 4 stars; one submission).

Allele frequency attached by ClinVar (database versions not stated): ExAC below 0.00001; TOPMed below 0.00001; gnomAD 0.00001 and 0.00002; 1000 Genomes Project 30x 0.00016; 1000 Genomes Project 0.00020.
gnomAD v4.1: 3 of 1,613,628 alleles (0.00019%); highest among the groups gnomAD compares: African/African-American, 0.0027%; no homozygotes.

Submission:

Labcorp Genetics (formerly Invitae), Labcorp
Classification: Uncertain significance. Last evaluated: 2020-10-19. Review status: criteria provided, single submitter. Criteria: Invitae Variant Classification Sherloc (09022015). Collection method: clinical testing. Allele origin: germline.
Comment: In summary, the available evidence is currently insufficient to determine the role of this variant in disease. Therefore, it has been classified as a Variant of Uncertain Significance. Nucleotide substitutions within the consensus splice site are a relatively common cause of aberrant splicing (PMID: 17576681, 9536098). Algorithms developed to predict the effect of sequence changes on RNA splicing suggest that this variant is not likely to affect RNA splicing, but this prediction has not been confirmed by published transcriptional studies. This variant has not been reported in the literature in individuals with LIG1-related conditions. The frequency data for this variant in the population databases is considered unreliable, as metrics indicate poor data quality at this position in the ExAC database. This sequence change falls in intron 8 of the LIG1 gene. It does not directly change the encoded amino acid sequence of the LIG1 protein. It affects a nucleotide within the consensus splice site of the intron.

Literature cited by the submitters: PubMed 17576681; PubMed 9536098.

NM_000234.3(LIG1):c.698-3T>C

Gene: LIG1 (DNA ligase 1; minus strand). Cytogenetic location: 19q13.33.
Variant type: single nucleotide variant.
Coding change: c.698-3T>C on transcript NM_000234.3 (MANE Select); 3 bases into the intron before coding-DNA position 698, T replaced by C.
Molecular consequence: intron variant.
Genome position (GRCh38, 1-based): chr19:48,149,844, A>G on the plus strand (T>C on the coding strand, the complement: LIG1 is on the minus strand). VCF-style: chr19-48149844-A-G. GRCh37 (hg19) VCF-style: chr19-48653101-A-G.
Other names: c.605-3T>C (NM_001289063.2); c.608-3T>C (NM_001320971.2); c.494-3T>C (NM_001289064.2); c.695-3T>C (NM_001320970.2).
Identifiers: ClinVar variation 1043228 (VCV001043228.7), dbSNP rs200738698, ClinGen allele CA9547157.
Genomic context (GRCh38, chr19:48,149,844, plus strand): 5'-CCTGGAGCCCCTGGCTCCTCTTCCTTCACTTCTTTTTTGACTGCTGGCTTCCGGGGGGCT[A>G]GGAATGAAGACAGAAAACAGTGGGTCTTTTCTCCTTCCGGTAGCCCCCACCTCCCATCCA-3'